The following is an entry in ClinVar:

ClinVar aggregate classification (germline): Pathogenic (1 of 4 stars; one submission).

Conditions:
PMM2-congenital disorder of glycosylation. Also called: CDG Ia; JAEKEN SYNDROME; PHOSPHOMANNOMUTASE 2 DEFICIENCY; CARBOHYDRATE-DEFICIENT GLYCOPROTEIN SYNDROME, TYPE Ia; PMM2-CDG; Congenital disorder of glycosylation, type Ia. Identifiers: Orphanet 79318, MedGen C0349653, MONDO:0008907, OMIM 212065.

Submission:

Labcorp Genetics (formerly Invitae), Labcorp
Classification: Pathogenic for PMM2-congenital disorder of glycosylation. Last evaluated: 2023-10-06. Review status: criteria provided, single submitter. Criteria: Invitae Variant Classification Sherloc (09022015). Collection method: clinical testing. Allele origin: germline.
Comment: This sequence change affects a donor splice site in intron 3 of the PMM2 gene. It is expected to disrupt RNA splicing. Variants that disrupt the donor or acceptor splice site typically lead to a loss of protein function (PMID: 16199547), and loss-of-function variants in PMM2 are known to be pathogenic (PMID: 19862844). This variant is not present in population databases (gnomAD no frequency). Disruption of this splice site has been observed in individuals with PMM2-related congenital disorder of glycosylation (PMID: 11156536, 15844218, 18948042, 23806237). Algorithms developed to predict the effect of sequence changes on RNA splicing suggest that this variant may disrupt the consensus splice site. For these reasons, this variant has been classified as Pathogenic.

Literature cited by the submitters: PubMed 16199547; PubMed 19862844; PubMed 11156536; PubMed 15844218; PubMed 18948042; PubMed 23806237.

NM_000303.3(PMM2):c.255+1G>C

Gene: PMM2 (phosphomannomutase 2; plus strand). Cytogenetic location: 16p13.2.
Variant type: single nucleotide variant.
Coding change: c.255+1G>C on transcript NM_000303.3 (MANE Select); the canonical splice donor site of the intron after coding-DNA position 255, G replaced by C.
Molecular consequence: splice donor variant.
Genome position (GRCh38, 1-based): chr16:8,804,844, G>C. VCF-style: chr16-8804844-G-C. GRCh37 (hg19) VCF-style: chr16-8898701-G-C.
Identifiers: ClinVar variation 2766469 (VCV002766469.3), dbSNP rs1060499598, ClinGen allele CA394696024.
Genomic context (GRCh38, chr16:8,804,844, plus strand): 5'-TATGTGTTTCCAGAAAATGGCTTGGTAGCATACAAAGATGGGAAACTCTTGTGTAGACAG[G>C]TAGGTTCTTGAGTATCTGAATTACTATATACTATTAAAAGTGTTTTCTAAAAGGGCATTT-3'